The following is an entry in ClinVar:

ClinVar aggregate classification (germline): Uncertain significance (1 of 4 stars; one submission).

Conditions:
Hereditary cancer-predisposing syndrome. Also called: Neoplastic Syndromes, Hereditary; Tumor predisposition; Hereditary neoplastic syndrome; Hereditary Cancer Syndrome. Identifiers: Orphanet 140162, MedGen C0027672, MeSH D009386, MONDO:0015356.

gnomAD v4.1: 1 of 1,613,916 alleles (0.000062%); highest among the groups gnomAD compares: South Asian, 0.0011%; no homozygotes.

Submission:

Ambry Genetics
Classification: Uncertain significance for Hereditary cancer-predisposing syndrome. Last evaluated: 2026-07-02. Review status: criteria provided, single submitter. Criteria: Ambry Variant Classification Scheme 2023. Collection method: clinical testing. Allele origin: germline.
Comment: The p.S98L variant (also known as c.293C>T), located in coding exon 3 of the BMPR1A gene, results from a C to T substitution at nucleotide position 293. The serine at codon 98 is replaced by leucine, an amino acid with dissimilar properties. This amino acid position is conserved. In addition, this alteration is predicted to be deleterious by in silico analysis. Based on the available evidence, the clinical significance of this variant remains unclear.

NM_004329.3(BMPR1A):c.293C>T (p.Ser98Leu)

Gene: BMPR1A (bone morphogenetic protein receptor type 1A; plus strand). Cytogenetic location: 10q23.2.
Variant type: single nucleotide variant.
Coding change: c.293C>T on transcript NM_004329.3 (MANE Select); coding-DNA position 293, C replaced by T.
Protein change: p.Ser98Leu; replaces serine 98 with leucine.
Molecular consequence: missense variant. On other transcripts: non-coding transcript variant (3).
Genome position (GRCh38, 1-based): chr10:86,892,189, C>T. VCF-style: chr10-86892189-C-T. GRCh37 (hg19) VCF-style: chr10-88651946-C-T.
Other names: c.293C>T, p.Ser98Leu (NM_001406576.1, NM_001406577.1, NM_001406578.1 and 23 more transcripts); c.209C>T, p.Ser70Leu (NM_001406584.1, NM_001406585.1, NM_001406586.1 and 2 more transcripts); short protein forms S98L, S70L.
Identifiers: ClinVar variation 5032952 (VCV005032952.1).
Genomic context (GRCh38, chr10:86,892,189, plus strand): 5'-CTAATGGACATTGCTTTGCCATCATAGAAGAAGATGACCAGGGAGAAACCACATTAGCTT[C>T]AGGGTGTATGAAATATGAAGGATCTGATTTTCAGTGCAAAGTAAGATATAATTTGGGACC-3'
Protein context (NP_004320.2, residues 88-108): EDDQGETTLA[Ser98Leu]GCMKYEGSDF